The following is an entry in ClinVar:

NM_198253.3(TERT):c.1526C>G (p.Thr509Arg)

Gene: TERT (telomerase reverse transcriptase; minus strand). Cytogenetic location: 5p15.33.
Variant type: single nucleotide variant.
Coding change: c.1526C>G on transcript NM_198253.3 (MANE Select); coding-DNA position 1526, C replaced by G.
Protein change: p.Thr509Arg; replaces threonine 509 with arginine.
Molecular consequence: missense variant. On other transcripts: non-coding transcript variant (2).
Genome position (GRCh38, 1-based): chr5:1,293,360, G>C on the plus strand (C>G on the coding strand, the complement: TERT is on the minus strand). VCF-style: chr5-1293360-G-C. GRCh37 (hg19) VCF-style: chr5-1293475-G-C.
Other names: c.1526C>G, p.Thr509Arg (NM_001193376.3); short protein forms T509R.
Identifiers: ClinVar variation 3967370 (VCV003967370.1).

ClinVar aggregate classification (germline): Uncertain significance (1 of 4 stars; one submission).

Conditions:
Dyskeratosis congenita. Identifiers: Orphanet 1775, MedGen C0265965, MONDO:0015780.

gnomAD v4.1: 1 of 1,613,306 alleles (0.000062%); highest among the groups gnomAD compares: Non-Finnish European, 0.000085%; no homozygotes.

Submission:

Ambry Genetics
Classification: Uncertain significance for Dyskeratosis congenita. Last evaluated: 2025-05-17. Review status: criteria provided, single submitter. Criteria: Ambry Variant Classification Scheme 2023. Collection method: clinical testing. Allele origin: germline.
Comment: The p.T509R variant (also known as c.1526C>G), located in coding exon 2 of the TERT gene, results from a C to G substitution at nucleotide position 1526. The threonine at codon 509 is replaced by arginine, an amino acid with similar properties. This amino acid position is conserved. In addition, the in silico prediction for this alteration is inconclusive. Based on the available evidence, the clinical significance of this variant remains unclear.